The following is an entry in ClinVar:

NM_004371.4(COPA):c.3258+6A>G

Gene: COPA (coat protein complex I subunit alpha; minus strand). Cytogenetic location: 1q23.2.
Variant type: single nucleotide variant.
Coding change: c.3258+6A>G on transcript NM_004371.4 (MANE Select); 6 bases into the intron after coding-DNA position 3258, A replaced by G.
Molecular consequence: intron variant.
Genome position (GRCh38, 1-based): chr1:160,291,813, T>C on the plus strand (A>G on the coding strand, the complement: COPA is on the minus strand). VCF-style: chr1-160291813-T-C. GRCh37 (hg19) VCF-style: chr1-160261603-T-C.
Other names: c.3285+6A>G (NM_001098398.2).
Identifiers: ClinVar variation 2960273 (VCV002960273.3), dbSNP rs2525348409, ClinGen allele CA2740090393.

ClinVar aggregate classification (germline): Uncertain significance (1 of 4 stars; one submission).

Conditions:
Autoimmune interstitial lung disease-arthritis syndrome. Also called: Autoinflammation and autoimmunity, systemic, with immune dysregulation. Identifiers: Orphanet 444092, MedGen C5975714, MONDO:0014629.

Submission:

Labcorp Genetics (formerly Invitae), Labcorp
Classification: Uncertain significance for Autoimmune interstitial lung disease-arthritis syndrome. Last evaluated: 2023-05-02. Review status: criteria provided, single submitter. Criteria: Invitae Variant Classification Sherloc (09022015). Collection method: clinical testing. Allele origin: germline.
Comment: In summary, the available evidence is currently insufficient to determine the role of this variant in disease. Therefore, it has been classified as a Variant of Uncertain Significance. Variants that disrupt the consensus splice site are a relatively common cause of aberrant splicing (PMID: 17576681, 9536098). Algorithms developed to predict the effect of sequence changes on RNA splicing suggest that this variant is not likely to affect RNA splicing. This variant has not been reported in the literature in individuals affected with COPA-related conditions. This variant is not present in population databases (gnomAD no frequency). This sequence change falls in intron 30 of the COPA gene. It does not directly change the encoded amino acid sequence of the COPA protein. It affects a nucleotide within the consensus splice site.

Literature cited by the submitters: PubMed 17576681; PubMed 9536098.